The following is an entry in ClinVar:

NM_015338.6(ASXL1):c.3248C>T (p.Ala1083Val)

Gene: ASXL1 (ASXL transcriptional regulator 1; plus strand). Cytogenetic location: 20q11.21.
Variant type: single nucleotide variant.
Coding change: c.3248C>T on transcript NM_015338.6 (MANE Select); coding-DNA position 3248, C replaced by T.
Protein change: p.Ala1083Val; replaces alanine 1083 with valine.
Molecular consequence: missense variant.
Genome position (GRCh38, 1-based): chr20:32,435,960, C>T. VCF-style: chr20-32435960-C-T. GRCh37 (hg19) VCF-style: chr20-31023763-C-T.
Other names: c.3065C>T, p.Ala1022Val (NM_001363734.1); short protein forms A1083V, A1022V.
Identifiers: ClinVar variation 4827412 (VCV004827412.1).

ClinVar aggregate classification (germline): Uncertain significance (1 of 4 stars; one submission).

Conditions:
Inborn genetic diseases. Identifiers: MedGen C0950123, MeSH D030342.

gnomAD v4.1: 4 of 1,614,166 alleles (0.00025%); highest among the groups gnomAD compares: Non-Finnish European, 0.00034%; no homozygotes.

Submission:

Ambry Genetics
Classification: Uncertain significance for Inborn genetic diseases. Last evaluated: 2026-03-03. Review status: criteria provided, single submitter. Criteria: Ambry Variant Classification Scheme 2023. Collection method: clinical testing. Allele origin: germline.
Comment: The p.A1083V variant (also known as c.3248C>T), located in coding exon 13 of the ASXL1 gene, results from a C to T substitution at nucleotide position 3248. The alanine at codon 1083 is replaced by valine, an amino acid with similar properties. This amino acid position is conserved. In addition, this alteration is predicted to be tolerated by in silico analysis. Based on the available evidence, the clinical significance of this variant remains unclear.